The following is an entry in ClinVar:

NM_000038.6(APC):c.5436G>T (p.Lys1812Asn)

Gene: APC (APC regulator of Wnt signaling pathway; plus strand). Cytogenetic location: 5q22.2.
Variant type: single nucleotide variant.
Coding change: c.5436G>T on transcript NM_000038.6 (MANE Select); coding-DNA position 5436, G replaced by T.
Protein change: p.Lys1812Asn; replaces lysine 1812 with asparagine.
Molecular consequence: missense variant.
Genome position (GRCh38, 1-based): chr5:112,841,030, G>T. VCF-style: chr5-112841030-G-T. GRCh37 (hg19) VCF-style: chr5-112176727-G-T.
Other names: c.5436G>T, p.Lys1812Asn (NM_001127510.3, NM_001354895.2, NM_001407450.1); c.5382G>T, p.Lys1794Asn (NM_001127511.3); c.5490G>T, p.Lys1830Asn (NM_001354896.2, NM_001407447.1, NM_001407448.1 and 1 more transcripts); c.5466G>T, p.Lys1822Asn (NM_001354897.2); c.5361G>T, p.Lys1787Asn (NM_001354898.2); c.5352G>T, p.Lys1784Asn (NM_001354899.2); c.5313G>T, p.Lys1771Asn (NM_001354900.2); c.5259G>T, p.Lys1753Asn (NM_001354901.2, NM_001407453.1); and 11 more; short protein forms K1771N, K1802N, K1812N, K1840N, K1529N, K1683N, K1686N, K1711N.
Identifiers: ClinVar variation 1747520 (VCV001747520.2), dbSNP rs746952584, ClinGen allele CA16033216.

ClinVar aggregate classification (germline): Uncertain significance (1 of 4 stars; one submission).

Conditions:
Hereditary cancer-predisposing syndrome. Also called: Hereditary Cancer Syndrome; Neoplastic Syndromes, Hereditary; Tumor predisposition; Hereditary neoplastic syndrome. Identifiers: Orphanet 140162, MedGen C0027672, MeSH D009386, MONDO:0015356.

Submission:

Ambry Genetics
Classification: Uncertain significance for Hereditary cancer-predisposing syndrome. Last evaluated: 2022-09-27. Review status: criteria provided, single submitter. Criteria: Ambry Variant Classification Scheme 2023. Collection method: clinical testing. Allele origin: germline.
Comment: The p.K1812N variant (also known as c.5436G>T), located in coding exon 15 of the APC gene, results from a G to T substitution at nucleotide position 5436. The lysine at codon 1812 is replaced by asparagine, an amino acid with similar properties. This amino acid position is conserved. In addition, in silico predictors for this gene do not accurately predict pathogenicity. Since supporting evidence is limited at this time, the clinical significance of this alteration remains unclear.